The following is an entry in ClinVar:

ClinVar aggregate classification (germline): Likely benign. Review status: criteria provided, multiple submitters, no conflicts (2 of 4 stars). 3 submissions from 3 submitters: Likely benign (3). Last evaluated 2026-02-15.

Conditions:
Hypophosphatemic nephrolithiasis/osteoporosis 1. Identifiers: Orphanet 244305, MedGen C2676786, MONDO:0012850, OMIM 612286.
Hypercalcemia, infantile, 2 (HCINF2). Identifiers: Orphanet 300547, MedGen C4310473, MONDO:0014851, OMIM 616963.
Fanconi renotubular syndrome 2 (FRTS2). Identifiers: MedGen C3150652, MONDO:0013247, OMIM 613388.
SLC34A1-related disorder. Also called: SLC34A1-related condition; SLC34A1-related disorders.

Allele frequency attached by ClinVar (database versions not stated): gnomAD exomes 0.00001 and 0.00006; TOPMed 0.00001; ExAC 0.00006; gnomAD 0.00010.
gnomAD v4.1: 24 of 1,613,598 alleles (0.0015%); highest among the groups gnomAD compares: Admixed American, 0.04%; no homozygotes.

Submissions (3):

PreventionGenetics, part of Exact Sciences
Classification: Likely benign for SLC34A1-related condition. Last evaluated: 2026-02-15. Review status: criteria provided, single submitter. Criteria: ACMG Guidelines, 2015. Collection method: clinical testing. Allele origin: germline.
Comment: This variant is classified as likely benign based on ACMG/AMP sequence variant interpretation guidelines (Richards et al. 2015 PMID: 25741868, with internal and published modifications).

Labcorp Genetics (formerly Invitae), Labcorp
Classification: Likely benign. Last evaluated: 2026-01-15. Review status: criteria provided, single submitter. Criteria: Invitae Variant Classification Sherloc (09022015). Collection method: clinical testing. Allele origin: germline.

Fulgent Genetics
Classification: Likely benign for Hypophosphatemic nephrolithiasis/osteoporosis 1; Fanconi renotubular syndrome 2; Hypercalcemia, infantile, 2. Last evaluated: 2021-09-13. Review status: criteria provided, single submitter. Criteria: ACMG Guidelines, 2015. Collection method: clinical testing. Allele origin: unknown.

NM_003052.5(SLC34A1):c.1485C>A (p.Arg495=)

Gene: SLC34A1 (solute carrier family 34 member 1; plus strand). Cytogenetic location: 5q35.3.
Variant type: single nucleotide variant.
Coding change: c.1485C>A on transcript NM_003052.5 (MANE Select); coding-DNA position 1485, C replaced by A.
Protein change: p.Arg495=; no amino-acid change (arginine 495 retained).
Molecular consequence: synonymous variant.
Genome position (GRCh38, 1-based): chr5:177,397,851, C>A. VCF-style: chr5-177397851-C-A. GRCh37 (hg19) VCF-style: chr5-176824852-C-A.
Identifiers: ClinVar variation 737516 (VCV000737516.10), dbSNP rs768939354, ClinGen allele CA3580814.